The following is an entry in ClinVar:

NM_000051.4(ATM):c.6632T>G (p.Leu2211Arg)

Genes: ATM (ATM serine/threonine kinase; plus strand), C11orf65 (chromosome 11 open reading frame 65; minus strand). Cytogenetic location: 11q22.3.
Variant type: single nucleotide variant.
Coding change: c.6632T>G on transcript NM_000051.4 (MANE Select); coding-DNA position 6632, T replaced by G.
Protein change: p.Leu2211Arg; replaces leucine 2211 with arginine.
Molecular consequence: missense variant. On other transcripts: intron variant (2).
Genome position (GRCh38, 1-based): chr11:108,325,369, T>G. VCF-style: chr11-108325369-T-G. GRCh37 (hg19) VCF-style: chr11-108196096-T-G.
Other names: c.6632T>G, p.Leu2211Arg (NM_001351834.2); c.641-16298A>C (NM_001330368.2); c.*38+9851A>C (NM_001351110.2); short protein forms L2211R.
Identifiers: ClinVar variation 1408724 (VCV001408724.10), dbSNP rs2136309652, ClinGen allele CA382554778.

ClinVar aggregate classification (germline): Uncertain significance. Review status: criteria provided, multiple submitters, no conflicts (2 of 4 stars). 2 submissions from 2 submitters: Uncertain significance (2). Last evaluated 2025-06-16.

Conditions:
Ataxia-telangiectasia syndrome (AT). Also called: Ataxia-telangiectasia; LOUIS-BAR SYNDROME; Ataxia-telangiectasia, complementation group D; AT, COMPLEMENTATION GROUP C; ATAXIA-TELANGIECTASIA, COMPLEMENTATION GROUP A; ATAXIA-TELANGIECTASIA, FRESNO VARIANT. Identifiers: Orphanet 100, MedGen C0004135, MONDO:0008840, OMIM 208900.
Hereditary cancer-predisposing syndrome. Also called: Tumor predisposition; Neoplastic Syndromes, Hereditary; Hereditary Cancer Syndrome; Hereditary neoplastic syndrome. Identifiers: Orphanet 140162, MedGen C0027672, MeSH D009386, MONDO:0015356.

Submissions (2):

Labcorp Genetics (formerly Invitae), Labcorp
Classification: Uncertain significance for Ataxia-telangiectasia syndrome. Last evaluated: 2025-06-16. Review status: criteria provided, single submitter. Criteria: Invitae Variant Classification Sherloc (09022015). Collection method: clinical testing. Allele origin: germline.
Comment: This sequence change replaces leucine, which is neutral and non-polar, with arginine, which is basic and polar, at codon 2211 of the ATM protein (p.Leu2211Arg). This variant is not present in population databases (gnomAD no frequency). This variant has not been reported in the literature in individuals affected with ATM-related conditions. ClinVar contains an entry for this variant (Variation ID: 1408724). Invitae Evidence Modeling of protein sequence and biophysical properties (such as structural, functional, and spatial information, amino acid conservation, physicochemical variation, residue mobility, and thermodynamic stability) has been performed for this missense variant. However, the output from this modeling did not meet the statistical confidence thresholds required to predict the impact of this variant on ATM protein function. In summary, the available evidence is currently insufficient to determine the role of this variant in disease. Therefore, it has been classified as a Variant of Uncertain Significance.

Ambry Genetics
Classification: Uncertain significance for Hereditary cancer-predisposing syndrome. Last evaluated: 2021-05-11. Review status: criteria provided, single submitter. Criteria: Ambry Variant Classification Scheme 2023. Collection method: clinical testing. Allele origin: germline.
Comment: The p.L2211R variant (also known as c.6632T>G), located in coding exon 45 of the ATM gene, results from a T to G substitution at nucleotide position 6632. The leucine at codon 2211 is replaced by arginine, an amino acid with dissimilar properties. This amino acid position is well conserved in available vertebrate species. In addition, this alteration is predicted to be deleterious by in silico analysis. Since supporting evidence is limited at this time, the clinical significance of this alteration remains unclear.